The following is an entry in ClinVar:

ClinVar aggregate classification (germline): Uncertain significance (1 of 4 stars; one submission).

Conditions:
Hereditary cancer-predisposing syndrome. Also called: Neoplastic Syndromes, Hereditary; Tumor predisposition; Hereditary Cancer Syndrome; Hereditary neoplastic syndrome. Identifiers: Orphanet 140162, MedGen C0027672, MeSH D009386, MONDO:0015356.

Submission:

Ambry Genetics
Classification: Uncertain significance for Hereditary cancer-predisposing syndrome. Last evaluated: 2014-11-09. Review status: criteria provided, single submitter. Criteria: Ambry Variant Classification Scheme 2023. Collection method: clinical testing. Allele origin: germline.
Comment: The p.S793R variant (also known as c.2379T>G), located in coding exon 15 of the CDH1 gene, results from a T to G substitution at nucleotide position 2379. The serine at codon 793 is replaced by arginine, an amino acid with dissimilar properties. This variant was not reported in population based cohorts in the following databases: Database of Single Nucleotide Polymorphisms (dbSNP), NHLBI Exome Sequencing Project (ESP), and 1000 Genomes Project. In the ESP, this variant was not observed in 6498 samples (12996 alleles) with coverage at this position. To date, this alteration has been detected with an allele frequency of approximately 0.002% (greater than 45000 alleles tested) in our clinical cohort. This amino acid position is not well conserved in available vertebrate species. In addition, this alteration is predicted to be possibly damaging and tolerated by PolyPhen and SIFT in silico analyses, respectively. Since supporting evidence is limited at this time, the clinical significance of p.S793R remains unclear.

NM_004360.5(CDH1):c.2379T>G (p.Ser793Arg)

Gene: CDH1 (cadherin 1; plus strand). Cytogenetic location: 16q22.1.
Variant type: single nucleotide variant.
Coding change: c.2379T>G on transcript NM_004360.5 (MANE Select); coding-DNA position 2379, T replaced by G.
Protein change: p.Ser793Arg; replaces serine 793 with arginine.
Molecular consequence: missense variant.
Genome position (GRCh38, 1-based): chr16:68,829,737, T>G. VCF-style: chr16-68829737-T-G. GRCh37 (hg19) VCF-style: chr16-68863640-T-G.
Other names: c.2379T>G (LRG_301t1); c.2196T>G, p.Ser732Arg (NM_001317184.2); c.831T>G, p.Ser277Arg (NM_001317185.2); c.414T>G, p.Ser138Arg (NM_001317186.2); short protein forms S793R, S138R, S277R, S732R.
Identifiers: ClinVar variation 186668 (VCV000186668.5), dbSNP rs786203128, ClinGen allele CA195505.